The following is an entry in ClinVar:

ClinVar aggregate classification (germline): Uncertain significance (1 of 4 stars; one submission).

Conditions:
Cardiovascular phenotype. Identifiers: MedGen CN230736.

Submission:

Ambry Genetics
Classification: Uncertain significance for Cardiovascular phenotype. Last evaluated: 2024-12-06. Review status: criteria provided, single submitter. Criteria: Ambry Variant Classification Scheme 2023. Collection method: clinical testing. Allele origin: germline.
Comment: The c.293delA variant, located in coding exon 3 of the MYL3 gene, results from a deletion of one nucleotide at nucleotide position 293, causing a translational frameshift with a predicted alternate stop codon (p.K98Sfs*11). This alteration is expected to result in protein truncation or nonsense-mediated mRNA decay. However, loss of function of MYL3 has not been established as a mechanism of disease. Based on the available evidence, the clinical significance of this alteration remains unclear.

NM_000258.3(MYL3):c.293del (p.Lys98fs)

Gene: MYL3 (myosin light chain 3; minus strand). Cytogenetic location: 3p21.31.
Variant type: Deletion.
Coding change: c.293del on transcript NM_000258.3 (MANE Select); coding-DNA position 293, one base deleted (A; older notation c.293delA).
Protein change: p.Lys98fs; shifts the reading frame from lysine 98.
Molecular consequence: frameshift variant.
Genome position (GRCh38, 1-based): chr3:46,860,690, T deleted on the plus strand (A on the coding strand, the reverse complement: MYL3 is on the minus strand); the first of 2 consecutive T bases (chr3:46,860,690-46,860,691); deleting either gives the same sequence. VCF-style (leftmost placement, unchanged base first): chr3-46860689-CT-C. GRCh37 (hg19) VCF-style: chr3-46902179-CT-C.
Other names: c.293del, p.Lys98fs (NM_001406937.1, NM_001406938.1, NM_001406939.1); c.119del, p.Lys40fs (NM_001406940.1, NM_001406941.1); c.293delA (NM_000258.2); short protein forms K40fs, K98fs.
Identifiers: ClinVar variation 3401045 (VCV003401045.1).
Genomic context (GRCh38, chr3:46,860,689, plus strand): 5'-GTCTCCCCGGTACTAACACTATGGGGGCTCTCGGGCAGGTGCACTACCTTCCTGTCTTGG[CT>C]TCCCCAGGACACGGAGCACTTCTGCCTGTGTGGGGTTCTGGCCCAGCGCCCGCAGGACAT-3'